The following is an entry in ClinVar:

NM_001267550.2(TTN):c.63450A>G (p.Gln21150=)

Genes: TTN-AS1 (TTN antisense RNA 1; plus strand), TTN (titin; minus strand). Cytogenetic location: 2q31.2.
Variant type: single nucleotide variant.
Coding change: c.63450A>G on transcript NM_001267550.2 (MANE Select); coding-DNA position 63450, A replaced by G.
Protein change: p.Gln21150=; no amino-acid change (glutamine 21150 retained).
Molecular consequence: synonymous variant.
Genome position (GRCh38, 1-based): chr2:178,587,957, T>C on the plus strand (A>G on the coding strand, the complement: TTN is on the minus strand). VCF-style: chr2-178587957-T-C. GRCh37 (hg19) VCF-style: chr2-179452684-T-C.
Other names: c.58527A>G, p.Gln19509= (NM_001256850.1); c.36255A>G, p.Gln12085= (NM_003319.4); c.55746A>G, p.Gln18582= (NM_133378.4); c.36630A>G, p.Gln12210= (NM_133432.3); c.36831A>G, p.Gln12277= (NM_133437.4).
Identifiers: ClinVar variation 1028577 (VCV001028577.4), dbSNP rs2049398530, ClinGen allele CA430264797.

ClinVar aggregate classification (germline): Conflicting classifications of pathogenicity. Review status: criteria provided, conflicting classifications (1 of 4 stars). 2 submissions from 2 submitters: Uncertain significance (1); Likely benign (1). Last evaluated 2025-08-30.

Conditions:
Dilated cardiomyopathy 1G (CMD1G). Identifiers: Orphanet 154, MedGen C1858763, MONDO:0011400, OMIM 604145.
Autosomal recessive limb-girdle muscular dystrophy type 2J (LGMDR10). Also called: MUSCULAR DYSTROPHY, LIMB-GIRDLE, AUTOSOMAL RECESSIVE 10; Limb-girdle muscular dystrophy, type 2J. Identifiers: Orphanet 140922, MedGen C1837342, MONDO:0012127, OMIM 608807.

gnomAD v4.1: 1 of 1,610,964 alleles (0.000062%); highest among the groups gnomAD compares: South Asian, 0.0011%; no homozygotes.

Submissions (2):

Labcorp Genetics (formerly Invitae), Labcorp
Classification: Likely benign for Dilated cardiomyopathy 1G; Autosomal recessive limb-girdle muscular dystrophy type 2J. Last evaluated: 2025-08-30. Review status: criteria provided, single submitter. Criteria: Invitae Variant Classification Sherloc (09022015). Collection method: clinical testing. Allele origin: germline.

Baylor Genetics
Classification: Uncertain significance for Dilated cardiomyopathy 1G. Last evaluated: 2020-05-05. Review status: criteria provided, single submitter. Criteria: ACMG Guidelines, 2015. Collection method: clinical testing. Allele origin: unknown. Affected: yes.
Comment: This variant was determined to be of uncertain significance according to ACMG Guidelines, 2015 [PMID:25741868].